The following is an entry in ClinVar:

NM_001042492.3(NF1):c.6224G>A (p.Trp2075Ter)

Gene: NF1 (neurofibromin 1; plus strand). Cytogenetic location: 17q11.2.
Variant type: single nucleotide variant.
Coding change: c.6224G>A on transcript NM_001042492.3 (MANE Select); coding-DNA position 6224, G replaced by A.
Protein change: p.Trp2075Ter; replaces tryptophan 2075 with a stop codon.
Molecular consequence: nonsense.
Genome position (GRCh38, 1-based): chr17:31,336,711, G>A. VCF-style: chr17-31336711-G-A. GRCh37 (hg19) VCF-style: chr17-29663729-G-A.
Other names: c.6161G>A, p.Trp2054Ter (NM_000267.4); short protein forms W2054*, W2075*.
Identifiers: ClinVar variation 1074137 (VCV001074137.6), dbSNP rs2151554507, ClinGen allele CA399011989.

ClinVar aggregate classification (germline): Pathogenic. Review status: criteria provided, multiple submitters, no conflicts (2 of 4 stars). 2 submissions from 2 submitters: Pathogenic (2). Last evaluated 2025-04-15.

Conditions:
Hereditary cancer-predisposing syndrome. Also called: Neoplastic Syndromes, Hereditary; Hereditary neoplastic syndrome; Tumor predisposition; Hereditary Cancer Syndrome. Identifiers: Orphanet 140162, MedGen C0027672, MeSH D009386, MONDO:0015356.
Cardiovascular phenotype. Identifiers: MedGen CN230736.
Neurofibromatosis, type 1 (NF1). Also called: VON RECKLINGHAUSEN DISEASE; Peripheral type neurofibromatosis; NEUROFIBROMATOSIS, TYPE I, SOMATIC; Neurofibromatosis, type I. Identifiers: Orphanet 636, MedGen C0027831, MONDO:0018975, OMIM 162200. Disease mechanism: loss of function.

Submissions (2):

Labcorp Genetics (formerly Invitae), Labcorp
Classification: Pathogenic for Neurofibromatosis, type 1. Last evaluated: 2025-04-15. Review status: criteria provided, single submitter. Criteria: Invitae Variant Classification Sherloc (09022015). Collection method: clinical testing. Allele origin: germline.
Comment: This sequence change creates a premature translational stop signal (p.Trp2054*) in the NF1 gene. It is expected to result in an absent or disrupted protein product. Loss-of-function variants in NF1 are known to be pathogenic (PMID: 10712197, 23913538). This variant is not present in population databases (gnomAD no frequency). This premature translational stop signal has been observed in individual(s) with neurofibromatosis type I (PMID: 23913538). ClinVar contains an entry for this variant (Variation ID: 1074137). Algorithms developed to predict the effect of sequence changes on RNA splicing suggest that this variant may disrupt the consensus splice site. For these reasons, this variant has been classified as Pathogenic.

Ambry Genetics
Classification: Pathogenic for Cardiovascular phenotype; Hereditary cancer-predisposing syndrome. Last evaluated: 2024-09-08. Review status: criteria provided, single submitter. Criteria: Ambry Variant Classification Scheme 2023. Collection method: clinical testing. Allele origin: germline.
Comment: The p.W2054* variant (also known as c.6161G>A), located in coding exon 41 of the NF1 gene, results from a G to A substitution at nucleotide position 6161. This changes the amino acid from a tryptophan to a stop codon within coding exon 41. This alteration is expected to result in loss of function by premature protein truncation or nonsense-mediated mRNA decay. As such, this alteration is interpreted as a disease-causing mutation.

Literature cited by the submitters: PubMed 10712197 (cited by Labcorp Genetics (formerly Invitae), Labcorp); PubMed 23913538 (cited by Labcorp Genetics (formerly Invitae), Labcorp).